The following is an entry in ClinVar:

NM_138576.4(BCL11B):c.1590GGA[5] (p.Glu533_Asp534insGlu)

Gene: BCL11B (BCL11 transcription factor B; minus strand). Cytogenetic location: 14q32.2.
Variant type: Microsatellite.
Coding change: c.1590GGA[5] on transcript NM_138576.4 (MANE Select); five copies in a row of the 3-base unit GGA starting at c.1590; the reference has four copies in a row; one copy, 3 bases duplicated.
Protein change: p.Glu533_Asp534insGlu.
Genome position (GRCh38, 1-based): chr14:99,175,235-99,175,237, TCC duplicated on the plus strand (GGA on the coding strand, the reverse complement: BCL11B is on the minus strand); duplicating any 3 consecutive bases within chr14:99,175,235-99,175,246 gives the same sequence; the position shown is the placement nearest the transcript's 3' end. VCF-style (leftmost placement, unchanged base first): chr14-99175234-G-GTCC. GRCh37 (hg19) VCF-style: chr14-99641571-G-GTCC.
Other names: c.1587GGA[5], p.Glu532_Asp533insGlu (NM_001282237.2); c.1374GGA[5], p.Glu461_Asp462insGlu (NM_001282238.2); c.1377GGA[5], p.Glu462_Asp463insGlu (NM_022898.3).
Identifiers: ClinVar variation 3718750 (VCV003718750.2).

ClinVar aggregate classification (germline): Uncertain significance (1 of 4 stars; one submission).

Submission:

Labcorp Genetics (formerly Invitae), Labcorp
Classification: Uncertain significance. Last evaluated: 2025-06-11. Review status: criteria provided, single submitter. Criteria: Invitae Variant Classification Sherloc (09022015). Collection method: clinical testing. Allele origin: germline.
Comment: This variant, c.1599_1601dup, results in the insertion of 1 amino acid(s) of the BCL11B protein (p.Glu533dup), but otherwise preserves the integrity of the reading frame. The frequency data for this variant in the population databases is considered unreliable, as metrics indicate poor data quality at this position in the gnomAD database. This variant has not been reported in the literature in individuals affected with BCL11B-related conditions. Experimental studies and prediction algorithms are not available or were not evaluated, and the functional significance of this variant is currently unknown. In summary, the available evidence is currently insufficient to determine the role of this variant in disease. Therefore, it has been classified as a Variant of Uncertain Significance.